The following is an entry in ClinVar:

ClinVar aggregate classification (germline): Likely benign (1 of 4 stars; one submission).

gnomAD v4.1: 1 of 1,614,082 alleles (0.000062%); no homozygotes.

Submission:

CeGaT Center for Human Genetics Tuebingen
Classification: Likely benign. Last evaluated: 2023-11-01. Review status: criteria provided, single submitter. Criteria: CeGaT Center For Human Genetics Tuebingen Variant Classification Criteria Version 2. Collection method: clinical testing. Allele origin: germline. Affected: yes. Observed: 1 variant allele.
Comment: SZT2: PM2:Supporting, BP4, BP7

NM_001365999.1(SZT2):c.5652C>A (p.Thr1884=)

Gene: SZT2 (SZT2 subunit of KICSTOR complex; plus strand). Cytogenetic location: 1p34.2.
Variant type: single nucleotide variant.
Coding change: c.5652C>A on transcript NM_001365999.1 (MANE Select); coding-DNA position 5652, C replaced by A.
Protein change: p.Thr1884=; no amino-acid change (threonine 1884 retained).
Molecular consequence: synonymous variant.
Genome position (GRCh38, 1-based): chr1:43,433,038, C>A. VCF-style: chr1-43433038-C-A. GRCh37 (hg19) VCF-style: chr1-43898709-C-A.
Other names: c.5481C>A, p.Thr1827= (NM_015284.4).
Identifiers: ClinVar variation 2672336 (VCV002672336.23), dbSNP rs1222923201, ClinGen allele CA417436755.